The following is an entry in ClinVar:

NM_002661.5(PLCG2):c.3458A>G (p.Tyr1153Cys)

Gene: PLCG2 (phospholipase C gamma 2; plus strand). Cytogenetic location: 16q23.3.
Variant type: single nucleotide variant.
Coding change: c.3458A>G on transcript NM_002661.5 (MANE Select); coding-DNA position 3458, A replaced by G.
Protein change: p.Tyr1153Cys; replaces tyrosine 1153 with cysteine.
Molecular consequence: missense variant.
Genome position (GRCh38, 1-based): chr16:81,940,036, A>G. VCF-style: chr16-81940036-A-G. GRCh37 (hg19) VCF-style: chr16-81973641-A-G.
Other names: short protein forms Y1153C.
Identifiers: ClinVar variation 971787 (VCV000971787.11), dbSNP rs146175110, ClinGen allele CA8194717.
Genomic context (GRCh38, chr16:81,940,036, plus strand): 5'-GCTTTGTGGTTTATGAAGAAGATATGTTCAGCGATCCCAACTTTCTTGCTCATGCCACTT[A>G]CCCCATTAAAGCAGTCAAATCAGGTAAGAGGCATTTTAATTAAGATGTTCGATTTGGGCT-3'
Protein context (NP_002652.2, residues 1143-1163): SDPNFLAHAT[Tyr1153Cys]PIKAVKSGFR

ClinVar aggregate classification (germline): Uncertain significance. Review status: criteria provided, multiple submitters, no conflicts (2 of 4 stars). 2 submissions from 2 submitters: Uncertain significance (2). Last evaluated 2023-11-19.

Conditions:
Autoinflammation-PLCG2-associated antibody deficiency-immune dysregulation. Also called: AUTOINFLAMMATION, ANTIBODY DEFICIENCY, AND IMMUNE DYSREGULATION; Autoinflammation, antibody deficiency, and immune dysregulation, plcg2-associated; Autoinflammation, antibody deficiency, and immune dysregulation syndrome. Identifiers: Orphanet 324530, MedGen C3553961, MONDO:0013944, OMIM 614878.
Familial cold autoinflammatory syndrome 3 (FCAS3). Also called: ANTIBODY DEFICIENCY AND IMMUNE DYSREGULATION, PLCG2-ASSOCIATED; FAMILIAL ATYPICAL COLD URTICARIA. Identifiers: Orphanet 300359, MedGen C3280914, MONDO:0013766, OMIM 614468.

Allele frequency attached by ClinVar (database versions not stated): TOPMed 0.00001; gnomAD exomes 0.00002 and 0.00003; gnomAD 0.00003; ExAC 0.00004; 1000 Genomes Project 30x 0.00031; 1000 Genomes Project 0.00040.
gnomAD v4.1: 43 of 1,613,670 alleles (0.0027%); highest among the groups gnomAD compares: East Asian, 0.096%; no homozygotes.

Submissions (2):

Labcorp Genetics (formerly Invitae), Labcorp
Classification: Uncertain significance for Familial cold autoinflammatory syndrome 3. Last evaluated: 2023-11-19. Review status: criteria provided, single submitter. Criteria: Invitae Variant Classification Sherloc (09022015). Collection method: clinical testing. Allele origin: germline.
Comment: This sequence change replaces tyrosine, which is neutral and polar, with cysteine, which is neutral and slightly polar, at codon 1153 of the PLCG2 protein (p.Tyr1153Cys). This variant is present in population databases (rs146175110, gnomAD 0.02%). This variant has not been reported in the literature in individuals affected with PLCG2-related conditions. ClinVar contains an entry for this variant (Variation ID: 971787). An algorithm developed to predict the effect of missense changes on protein structure and function (PolyPhen-2) suggests that this variant is likely to be disruptive. In summary, the available evidence is currently insufficient to determine the role of this variant in disease. Therefore, it has been classified as a Variant of Uncertain Significance.

Fulgent Genetics
Classification: Uncertain significance for Familial cold autoinflammatory syndrome 3; Autoinflammation-PLCG2-associated antibody deficiency-immune dysregulation. Last evaluated: 2021-07-19. Review status: criteria provided, single submitter. Criteria: ACMG Guidelines, 2015. Collection method: clinical testing. Allele origin: unknown.